The following is an entry in ClinVar:

NM_000322.5(PRPH2):c.830T>G (p.Val277Gly)

Gene: PRPH2 (peripherin 2; minus strand). Cytogenetic location: 6p21.1.
Variant type: single nucleotide variant.
Coding change: c.830T>G on transcript NM_000322.5 (MANE Select); coding-DNA position 830, T replaced by G.
Protein change: p.Val277Gly; replaces valine 277 with glycine.
Molecular consequence: missense variant.
Genome position (GRCh38, 1-based): chr6:42,698,506, A>C on the plus strand (T>G on the coding strand, the complement: PRPH2 is on the minus strand). VCF-style: chr6-42698506-A-C. GRCh37 (hg19) VCF-style: chr6-42666244-A-C.
Other names: short protein forms V277G.
Identifiers: ClinVar variation 844101 (VCV000844101.10), dbSNP rs140406696, ClinGen allele CA3808503.

ClinVar aggregate classification (germline): Conflicting classifications of pathogenicity. Review status: criteria provided, conflicting classifications (1 of 4 stars). 3 submissions from 3 submitters: Uncertain significance (1); Likely benign (2). Last evaluated 2025-08-23.

Conditions:
PRPH2-related disorder. Also called: PRPH2-related disorders; PRPH2-related condition. Identifiers: MedGen CN239395.

Allele frequency attached by ClinVar (database versions not stated): gnomAD exomes 0.00012; ExAC 0.00016; 1000 Genomes Project 0.00020; 1000 Genomes Project 30x 0.00031; ESP Exome Variant Server 0.00038; gnomAD 0.00040 and 0.00044; TOPMed 0.00048.
gnomAD v4.1: 105 of 1,614,112 alleles (0.0065%); highest among the groups gnomAD compares: African/African-American, 0.13%; no homozygotes.

Submissions (3):

Labcorp Genetics (formerly Invitae), Labcorp
Classification: Uncertain significance for PRPH2-related disorder. Last evaluated: 2025-08-23. Review status: criteria provided, single submitter. Criteria: Invitae Variant Classification Sherloc (09022015). Collection method: clinical testing. Allele origin: germline.
Comment: This sequence change replaces valine, which is neutral and non-polar, with glycine, which is neutral and non-polar, at codon 277 of the PRPH2 protein (p.Val277Gly). This variant is present in population databases (rs140406696, gnomAD 0.1%). This variant has not been reported in the literature in individuals affected with PRPH2-related conditions. ClinVar contains an entry for this variant (Variation ID: 844101). An algorithm developed to predict the effect of missense changes on protein structure and function (PolyPhen-2) suggests that this variant is likely to be tolerated. In summary, the available evidence is currently insufficient to determine the role of this variant in disease. Therefore, it has been classified as a Variant of Uncertain Significance.

PreventionGenetics, part of Exact Sciences
Classification: Likely benign for PRPH2-related condition. Last evaluated: 2025-02-26. Review status: criteria provided, single submitter. Criteria: ACMG Guidelines, 2015. Collection method: clinical testing. Allele origin: germline.
Comment: This variant is classified as likely benign based on ACMG/AMP sequence variant interpretation guidelines (Richards et al. 2015 PMID: 25741868, with internal and published modifications).

Blueprint Genetics
Classification: Likely benign. Last evaluated: 2022-09-01. Review status: criteria provided, single submitter. Criteria: ACMG Guidelines, 2015. Collection method: clinical testing. Allele origin: germline.